The following is an entry in ClinVar:

ClinVar aggregate classification (germline): Conflicting classifications of pathogenicity. Review status: criteria provided, conflicting classifications (1 of 4 stars). 11 submissions from 9 submitters: Uncertain significance (2); Benign (2); Likely benign (4). 3 of the submissions do not count toward it. Last evaluated 2026-08-01.

Conditions:
SCN9A-related disorder. Also called: SCN9A-related disorders; SCN9A-related condition.
Generalized epilepsy with febrile seizures plus, type 7 (GEFSP7). Also called: GEFS+, TYPE 7. Identifiers: Orphanet 36387, MedGen C2751778, MONDO:0013470, OMIM 613863.
Neuropathy, hereditary sensory and autonomic, type 2A (HSAN2A). Also called: HSAN IIA; ACROOSTEOLYSIS, GIACCAI TYPE; ACROOSTEOLYSIS, NEUROGENIC; MORVAN DISEASE; WNK1-Related HSAN2 (HSAN2A); NEUROPATHY, CONGENITAL SENSORY. Identifiers: Orphanet 970, MedGen C2752089, MONDO:0024309, OMIM 201300.
Inborn genetic diseases. Identifiers: MedGen C0950123, MeSH D030342.
Primary erythromelalgia. Also called: SCN9A Erythromelalgia (SCN9A-EM); primary erythermalgia. Identifiers: Orphanet 306577, Orphanet 90026, MedGen C0014805, MONDO:0007571, OMIM 133020.
Channelopathy-associated congenital insensitivity to pain, autosomal recessive. Also called: ASYMBOLIA FOR PAIN; CONGENITAL ANALGESIA, AUTOSOMAL RECESSIVE; Insensitivity to pain, channelopathy-associated. Identifiers: Orphanet 88642, Orphanet 970, MedGen C1855739, MONDO:0009459, OMIM 243000.
Paroxysmal extreme pain disorder (PEXPD). Also called: SCN9A Paroxysmal Extreme Pain Disorder (SCN9A-PEPD); PAIN, SUBMANDIBULAR, OCULAR, AND RECTAL, WITH FLUSHING; RECTAL PAIN, FAMILIAL. Identifiers: Orphanet 46348, MedGen C1833661, MONDO:0008179, OMIM 167400.

Allele frequency attached by ClinVar (database versions not stated): ExAC 0.00009; gnomAD exomes 0.00012; TOPMed 0.00012; gnomAD 0.00013 and 0.00016; ESP Exome Variant Server 0.00017.
gnomAD v4.1: 240 of 1,533,962 alleles (0.016%); highest among the groups gnomAD compares: Non-Finnish European, 0.02%; no homozygotes.

Submissions (11):

CeGaT Center for Human Genetics Tuebingen
Classification: Likely benign. Last evaluated: 2026-08-01. Review status: criteria provided, single submitter. Criteria: CeGaT Center For Human Genetics Tuebingen Variant Classification Criteria Version 2. Collection method: clinical testing. Allele origin: germline. Affected: yes. Observed: 2 variant alleles.
Comment: SCN9A: BP4, BP7

Women's Health and Genetics/Laboratory Corporation of America, LabCorp
Classification: Uncertain significance. Last evaluated: 2026-02-18. Review status: criteria provided, single submitter. Criteria: LabCorp Variant Classification Summary - May 2015. Collection method: clinical testing. Allele origin: germline.
Comment: Variant summary: SCN9A c.1110G>A (p.Thr370Thr) alters a conserved nucleotide located close to a canonical splice site and therefore could affect mRNA splicing, leading to a significantly altered protein sequence. Consensus agreement among computation tools predict no significant impact on normal splicing. However, these predictions have yet to be confirmed by functional studies. The variant allele was found at a frequency of 0.00012 in 215266 control chromosomes. This frequency is not significantly higher than estimated for disease-causing variants in SCN9A, allowing no conclusion about variant significance. To our knowledge, no occurrence of c.1110G>A in individuals affected with SCN9A-related conditions and no experimental evidence demonstrating its impact on protein function have been reported. ClinVar contains an entry for this variant (Variation ID: 471078). Based on the evidence outlined above, the variant was classified as uncertain significance.

Labcorp Genetics (formerly Invitae), Labcorp
Classification: Likely benign for Neuropathy, hereditary sensory and autonomic, type 2A; Generalized epilepsy with febrile seizures plus, type 7. Last evaluated: 2025-10-23. Review status: criteria provided, single submitter. Criteria: Invitae Variant Classification Sherloc (09022015). Collection method: clinical testing. Allele origin: germline.

GeneDx
Classification: Likely benign. Last evaluated: 2019-09-17. Review status: criteria provided, single submitter. Criteria: GeneDx Variant Classification Process June 2021. Collection method: clinical testing. Allele origin: germline. Affected: yes.
Comment: This variant is associated with the following publications: (PMID: 31981491)

Ambry Genetics
Classification: Likely benign for Inborn genetic diseases. Last evaluated: 2019-07-11. Review status: criteria provided, single submitter. Criteria: Ambry Variant Classification Scheme 2023. Collection method: clinical testing. Allele origin: germline.

Illumina Laboratory Services, Illumina
Classification: Benign for Primary erythromelalgia. Last evaluated: 2018-01-13. Review status: criteria provided, single submitter. Criteria: ICSL Variant Classification Criteria 13 December 2019. Collection method: clinical testing. Allele origin: germline.
Comment: This variant was observed in the ICSL laboratory as part of a predisposition screen in an ostensibly healthy population. It had not been previously curated by ICSL or reported in the Human Gene Mutation Database (HGMD: prior to June 1st, 2018), and was therefore a candidate for classification through an automated scoring system. Utilizing variant allele frequency, disease prevalence and penetrance estimates, and inheritance mode, an automated score was calculated to assess if this variant is too frequent to cause the disease. Based on the score and internal cut-off values, a variant classified as benign is not then subjected to further curation. The score for this variant resulted in a classification of benign for this disease.

Illumina Laboratory Services, Illumina
Classification: Uncertain significance for Channelopathy-associated congenital insensitivity to pain, autosomal recessive. Last evaluated: 2018-01-13. Review status: criteria provided, single submitter. Criteria: ICSL Variant Classification Criteria 13 December 2019. Collection method: clinical testing. Allele origin: germline.

Illumina Laboratory Services, Illumina
Classification: Benign for Paroxysmal extreme pain disorder. Last evaluated: 2018-01-13. Review status: criteria provided, single submitter. Criteria: ICSL Variant Classification Criteria 13 December 2019. Collection method: clinical testing. Allele origin: germline.
Comment: the same text as in the submission from Illumina Laboratory Services, Illumina above.

PreventionGenetics, part of Exact Sciences
Classification: Likely benign for SCN9A-related condition. Last evaluated: 2019-04-01. Review status: no assertion criteria provided. Collection method: clinical testing. Allele origin: germline. Not counted in ClinVar's aggregate classification.
Comment: This variant is classified as likely benign based on ACMG/AMP sequence variant interpretation guidelines (Richards et al. 2015 PMID: 25741868, with internal and published modifications).

Clinical Genetics, Academic Medical Center
Classification: Benign. Review status: no assertion criteria provided. Collection method: clinical testing. Allele origin: germline. Affected: yes. Study: VKGL Data-share Consensus. Not counted in ClinVar's aggregate classification.

Joint Genome Diagnostic Labs from Nijmegen and Maastricht, Radboudumc and MUMC+
Classification: Likely benign. Review status: no assertion criteria provided. Collection method: clinical testing. Allele origin: germline. Affected: yes. Study: VKGL Data-share Consensus. Not counted in ClinVar's aggregate classification.

NM_001365536.1(SCN9A):c.1110G>A (p.Thr370=)

Genes: SCN1A-AS1 (SCN1A and SCN9A antisense RNA 1; plus strand), SCN9A (sodium voltage-gated channel alpha subunit 9; minus strand). Cytogenetic location: 2q24.3.
Variant type: single nucleotide variant.
Coding change: c.1110G>A on transcript NM_001365536.1 (MANE Select); coding-DNA position 1110, G replaced by A.
Protein change: p.Thr370=; no amino-acid change (threonine 370 retained).
Molecular consequence: synonymous variant.
Genome position (GRCh38, 1-based): chr2:166,288,641, C>T on the plus strand (G>A on the coding strand, the complement: SCN9A is on the minus strand). VCF-style: chr2-166288641-C-T. GRCh37 (hg19) VCF-style: chr2-167145151-C-T.
Other names: c.1110G>A, p.Thr370= (NM_002977.4).
Identifiers: ClinVar variation 471078 (VCV000471078.32), dbSNP rs202002028, ClinGen allele CA1944583.